The following is an entry in ClinVar:

ClinVar aggregate classification (germline): Uncertain significance (1 of 4 stars; one submission).

Conditions:
Primary ciliary dyskinesia. Also called: Ciliary dyskinesia. Identifiers: Orphanet 244, MedGen C0008780, MONDO:0016575, HP:0012265.

Allele frequency attached by ClinVar (database versions not stated): gnomAD exomes below 0.00001; ExAC 0.00001; TOPMed 0.00002.
gnomAD v4.1: 6 of 1,614,080 alleles (0.00037%); highest among the groups gnomAD compares: Middle Eastern, 0.016%; no homozygotes.

Submission:

Ambry Genetics
Classification: Uncertain significance for Primary ciliary dyskinesia. Last evaluated: 2021-11-04. Review status: criteria provided, single submitter. Criteria: Ambry Variant Classification Scheme 2023. Collection method: clinical testing. Allele origin: germline.
Comment: The p.R11H variant (also known as c.32G>A), located in coding exon 1 of the DNAI2 gene, results from a G to A substitution at nucleotide position 32. The arginine at codon 11 is replaced by histidine, an amino acid with highly similar properties. This amino acid position is conserved. In addition, the in silico prediction for this alteration is inconclusive. Since supporting evidence is limited at this time, the clinical significance of this alteration remains unclear.

NM_023036.6(DNAI2):c.32G>A (p.Arg11His)

Gene: DNAI2 (dynein axonemal intermediate chain 2; plus strand). Cytogenetic location: 17q25.1.
Variant type: single nucleotide variant.
Coding change: c.32G>A on transcript NM_023036.6 (MANE Select); coding-DNA position 32, G replaced by A.
Protein change: p.Arg11His; replaces arginine 11 with histidine.
Molecular consequence: missense variant. On other transcripts: non-coding transcript variant (1).
Genome position (GRCh38, 1-based): chr17:74,281,849, G>A. VCF-style: chr17-74281849-G-A. GRCh37 (hg19) VCF-style: chr17-72277988-G-A.
Other names: c.32G>A, p.Arg11His (NM_001172810.3, NM_001353167.2); short protein forms R11H.
Identifiers: ClinVar variation 1729954 (VCV001729954.2), dbSNP rs762305426, ClinGen allele CA8745229.
Genomic context (GRCh38, chr17:74,281,849, plus strand): 5'-CCTCCCTCTGCCCCCCAGCAGCCGGCACCATGGAGATTGTGTACGTGTACGTCAAGAAGC[G>A]CAGCGAGTTCGGGAAGCAGTGCAATTTCTCGGACCGCCAGGCCGAGCTGAACATCGACAT-3'
Protein context (NP_075462.3, residues 1-21): MEIVYVYVKK[Arg11His]SEFGKQCNFS